The following is an entry in ClinVar:

ClinVar aggregate classification (germline): Uncertain significance. Review status: criteria provided, multiple submitters, no conflicts (2 of 4 stars). 6 submissions from 6 submitters: Uncertain significance (6). Last evaluated 2025-12-23.

Conditions:
Hereditary cancer-predisposing syndrome. Also called: Neoplastic Syndromes, Hereditary; Tumor predisposition; Hereditary Cancer Syndrome; Hereditary neoplastic syndrome. Identifiers: Orphanet 140162, MedGen C0027672, MeSH D009386, MONDO:0015356.
Tuberous sclerosis syndrome (TSC). Also called: Tuberous Sclerosis Complex; Tuberous sclerosis. Identifiers: Orphanet 805, MedGen C0041341, MONDO:0001734.
Tuberous sclerosis 2 (TSC2). Identifiers: Orphanet 805, MedGen C1860707, MONDO:0013199, OMIM 613254.
Isolated focal cortical dysplasia type II (FCORD2). Also called: Focal cortical dysplasia type II; CORTICAL DYSPLASIA OF TAYLOR. Identifiers: Orphanet 268994, MedGen C1846385, MONDO:0011818, OMIM 607341, HP:0032051.
Lymphangiomyomatosis (LAM). Also called: Lymphangioleiomyomatosis; Lymphangioleiomyomatosis, somatic. Identifiers: Orphanet 538, MedGen C0751674, MONDO:0011705, OMIM 606690.

Allele frequency attached by ClinVar (database versions not stated): gnomAD exomes below 0.00001; gnomAD 0.00001; TOPMed 0.00002.
gnomAD v4.1: 5 of 1,611,324 alleles (0.00031%); highest among the groups gnomAD compares: African/African-American, 0.0013%; no homozygotes.

Submissions (6):

Labcorp Genetics (formerly Invitae), Labcorp
Classification: Uncertain significance for Tuberous sclerosis 2. Last evaluated: 2025-12-23. Review status: criteria provided, single submitter. Criteria: Invitae Variant Classification Sherloc (09022015). Collection method: clinical testing. Allele origin: germline.
Comment: This sequence change replaces arginine, which is basic and polar, with cysteine, which is neutral and slightly polar, at codon 1639 of the TSC2 protein (p.Arg1639Cys). This variant is not present in population databases (gnomAD no frequency). This variant has not been reported in the literature in individuals affected with TSC2-related conditions. ClinVar contains an entry for this variant (Variation ID: 535976). Invitae Evidence Modeling of protein sequence and biophysical properties (such as structural, functional, and spatial information, amino acid conservation, physicochemical variation, residue mobility, and thermodynamic stability) has been performed for this missense variant. However, the output from this modeling did not meet the statistical confidence thresholds required to predict the impact of this variant on TSC2 protein function. In summary, the available evidence is currently insufficient to determine the role of this variant in disease. Therefore, it has been classified as a Variant of Uncertain Significance.

St. Jude Molecular Pathology, St. Jude Children's Research Hospital
Classification: Uncertain significance for Tuberous sclerosis 2. Last evaluated: 2025-06-17. Review status: criteria provided, single submitter. Criteria: St. Jude Assertion Criteria 2020. Collection method: clinical testing. Allele origin: germline.
Comment: The TSC2 c.4915C>T p.(Arg1639Cys) missense change is absent in gnomAD v2.1.1. The in silico tool REVEL predicts a deleterious effect on protein function, but to our knowledge this prediction has not been confirmed by functional studies. To our knowledge, this variant has not been reported in individuals with tuberous sclerosis complex. In summary, the evidence currently available is insufficient to determine the clinical significance of this variant. It has therefore been classified as of uncertain significance.

Ambry Genetics
Classification: Uncertain significance for Hereditary cancer-predisposing syndrome. Last evaluated: 2024-08-01. Review status: criteria provided, single submitter. Criteria: Ambry Variant Classification Scheme 2023. Collection method: clinical testing. Allele origin: germline.
Comment: The p.R1639C variant (also known as c.4915C>T), located in coding exon 37 of the TSC2 gene, results from a C to T substitution at nucleotide position 4915. The arginine at codon 1639 is replaced by cysteine, an amino acid with highly dissimilar properties. This alteration was identified in 0/1358 non-cancer control individuals and in 1/57 cases, in a study looking at cancer predisposition mutations in patients with cutaneous melanoma and a history of at least two additional non-cutaneous melanoma primary cancers (Pritchard AL et al. PLoS One, 2018 Apr;13:e0194098). This variant was identified as germline in a cohort of 690 patients with myeloid malignancy (Li ST et al. Leukemia, 2020 Jun;34:1675-1678). This amino acid position is highly conserved in available vertebrate species. In addition, this alteration is predicted to be deleterious by in silico analysis. Based on the available evidence, the clinical significance of this variant remains unclear.

All of Us Research Program, National Institutes of Health
Classification: Uncertain significance for Tuberous sclerosis syndrome. Last evaluated: 2024-04-16. Review status: criteria provided, single submitter. Criteria: ACMG Guidelines, 2015. Collection method: clinical testing. Allele origin: germline. Inheritance: Autosomal dominant inheritance. Observed: 2 variant alleles, 2 heterozygotes.
Comment: This missense variant replaces arginine with cysteine at codon 1639 of the TSC2 protein. Computational prediction suggests that this variant may have deleterious impact on protein structure and function (internally defined REVEL score threshold >= 0.7, PMID: 27666373). To our knowledge, functional studies have not been reported for this variant. This variant has not been reported in individuals affected with TSC2-related disorders in the literature. This variant has not been identified in the general population by the Genome Aggregation Database (gnomAD). The available evidence is insufficient to determine the role of this variant in disease conclusively. Therefore, this variant is classified as a Variant of Uncertain Significance.

This study involves interpretation of variants in research participants for the purpose of population health screening. Participant phenotype was not available at the time of variant classification. Additional details can be found in publication PMID: 35346344, PMCID: PMC8962531

Fulgent Genetics
Classification: Uncertain significance for Lymphangiomyomatosis; Isolated focal cortical dysplasia type II; Tuberous sclerosis 2. Last evaluated: 2022-04-01. Review status: criteria provided, single submitter. Criteria: ACMG Guidelines, 2015. Collection method: clinical testing. Allele origin: unknown.

GeneDx
Classification: Uncertain significance. Last evaluated: 2022-03-16. Review status: criteria provided, single submitter. Criteria: GeneDx Variant Classification Process June 2021. Collection method: clinical testing. Allele origin: germline. Affected: yes.
Comment: Not observed at significant frequency in large population cohorts (gnomAD); In silico analysis supports that this missense variant has a deleterious effect on protein structure/function; Has not been previously published as pathogenic or benign to our knowledge; This variant is associated with the following publications: (PMID: 18466115)

Literature cited by the submitters: PubMed 29641532 (cited by Ambry Genetics); PubMed 31911633 (cited by Ambry Genetics).

NM_000548.5(TSC2):c.4915C>T (p.Arg1639Cys)

Gene: TSC2 (TSC complex subunit 2; plus strand). Cytogenetic location: 16p13.3.
Variant type: single nucleotide variant.
Coding change: c.4915C>T on transcript NM_000548.5 (MANE Select); coding-DNA position 4915, C replaced by T.
Protein change: p.Arg1639Cys; replaces arginine 1639 with cysteine.
Molecular consequence: missense variant.
Genome position (GRCh38, 1-based): chr16:2,086,797, C>T. VCF-style: chr16-2086797-C-T. GRCh37 (hg19) VCF-style: chr16-2136798-C-T.
Other names: c.4714C>T, p.Arg1572Cys (NM_001077183.3); c.4846C>T, p.Arg1616Cys (NM_001114382.3); c.4606C>T, p.Arg1536Cys (NM_001318827.2); c.4570C>T, p.Arg1524Cys (NM_001318829.2); c.4183C>T, p.Arg1395Cys (NM_001318831.2); c.4747C>T, p.Arg1583Cys (NM_001318832.2); c.4717C>T, p.Arg1573Cys (NM_001363528.2); c.4783C>T, p.Arg1595Cys (NM_001370404.1); and 1 more; short protein forms R1639C, R1572C, R1573C, R1524C, R1536C, R1583C, R1596C, R1616C.
Identifiers: ClinVar variation 535976 (VCV000535976.19), dbSNP rs1555438551, ClinGen allele CA394308533.